The following is an entry in ClinVar:

ClinVar aggregate classification (germline): Uncertain significance (1 of 4 stars; one submission).

Conditions:
Facioscapulohumeral muscular dystrophy 2 (FSHD2). Also called: MUSCULAR DYSTROPHY, FACIOSCAPULOHUMERAL, TYPE 1B; FACIOSCAPULOHUMERAL MUSCULAR DYSTROPHY 2, DIGENIC; FSHD2, DIGENIC. Identifiers: Orphanet 269, MedGen C1834671, MONDO:0008031, OMIM 158901.

Submission:

Labcorp Genetics (formerly Invitae), Labcorp
Classification: Uncertain significance for Facioscapulohumeral muscular dystrophy 2. Last evaluated: 2022-08-10. Review status: criteria provided, single submitter. Criteria: Invitae Variant Classification Sherloc (09022015). Collection method: clinical testing. Allele origin: germline.
Comment: In summary, the available evidence is currently insufficient to determine the role of this variant in disease. Therefore, it has been classified as a Variant of Uncertain Significance. Algorithms developed to predict the effect of missense changes on protein structure and function are either unavailable or do not agree on the potential impact of this missense change (SIFT: "Tolerated"; PolyPhen-2: "Probably Damaging"; Align-GVGD: "Class C0"). ClinVar contains an entry for this variant (Variation ID: 1046010). This variant has not been reported in the literature in individuals affected with SMCHD1-related conditions. This variant is not present in population databases (gnomAD no frequency). This sequence change replaces glutamine, which is neutral and polar, with glutamic acid, which is acidic and polar, at codon 345 of the SMCHD1 protein (p.Gln345Glu).

NM_015295.3(SMCHD1):c.1033C>G (p.Gln345Glu)

Gene: SMCHD1 (structural maintenance of chromosomes flexible hinge domain containing 1; plus strand). Cytogenetic location: 18p11.32.
Variant type: single nucleotide variant.
Coding change: c.1033C>G on transcript NM_015295.3 (MANE Select); coding-DNA position 1033, C replaced by G.
Protein change: p.Gln345Glu; replaces glutamine 345 with glutamic acid.
Molecular consequence: missense variant.
Genome position (GRCh38, 1-based): chr18:2,694,686, C>G. VCF-style: chr18-2694686-C-G. GRCh37 (hg19) VCF-style: chr18-2694684-C-G.
Other names: short protein forms Q345E.
Identifiers: ClinVar variation 1046010 (VCV001046010.8), dbSNP rs2074249757, ClinGen allele CA401695197.